The following is an entry in ClinVar:

NM_000059.4(BRCA2):c.4022C>A (p.Ser1341Ter)

Gene: BRCA2 (BRCA2 DNA repair associated; plus strand). Cytogenetic location: 13q13.1.
Variant type: single nucleotide variant.
Coding change: c.4022C>A on transcript NM_000059.4 (MANE Select); coding-DNA position 4022, C replaced by A.
Protein change: p.Ser1341Ter; replaces serine 1341 with a stop codon.
Molecular consequence: nonsense.
Genome position (GRCh38, 1-based): chr13:32,338,377, C>A. VCF-style: chr13-32338377-C-A. GRCh37 (hg19) VCF-style: chr13-32912514-C-A.
Other names: short protein forms S1341*.
Identifiers: ClinVar variation 431307 (VCV000431307.4), dbSNP rs1135401901, ClinGen allele CA387779046.

ClinVar aggregate classification (germline): Pathogenic. Review status: reviewed by expert panel (3 of 4 stars). 3 submissions from 3 submitters: Pathogenic (1). 2 of the submissions do not count toward it. Last evaluated 2017-12-15.

Conditions:
Breast-ovarian cancer, familial, susceptibility to, 2 (BROVCA2). Also called: BRCA2 Hereditary Breast and Ovarian Cancer. Identifiers: Orphanet 145, MedGen C2675520, MONDO:0012933, OMIM 612555. Disease mechanism: loss of function.
Hereditary breast ovarian cancer syndrome. Also called: BRCA1- and BRCA2-Associated Hereditary Breast and Ovarian Cancer; Hereditary breast and/or ovarian cancer syndrome; Hereditary breast and ovarian cancer; Hereditary breast and ovarian cancer syndrome; Hereditary breast and ovarian cancer syndrome (HBOC); Breast and ovarian cancer. Identifiers: Orphanet 145, MedGen C0677776, MeSH D061325, MONDO:0003582. Disease mechanism: loss of function.

Allele frequency attached by ClinVar (database versions not stated): gnomAD exomes below 0.00001.
gnomAD v4.1: 1 of 1,591,106 alleles (0.000063%); highest among the groups gnomAD compares: East Asian, 0.0022%; no homozygotes.

Submissions (3):

Evidence-based Network for the Interpretation of Germline Mutant Alleles (ENIGMA)
Classification: Pathogenic for Breast-ovarian cancer, familial, susceptibility to, 2. Last evaluated: 2017-12-15. Review status: reviewed by expert panel. Criteria: ENIGMA BRCA1/2 Classification Criteria (2017-06-29). Collection method: curation. Allele origin: germline. Study: ENIGMA.
Comment: Variant allele predicted to encode a truncated non-functional protein.

Women's Health and Genetics/Laboratory Corporation of America, LabCorp
Classification: Pathogenic for Hereditary breast and ovarian cancer syndrome. Last evaluated: 2019-08-16. Review status: criteria provided, single submitter. Criteria: LabCorp Variant Classification Summary - May 2015. Collection method: clinical testing. Allele origin: germline. Not counted in ClinVar's aggregate classification.
Comment: Variant summary: BRCA2 c.4022C>A (p.Ser1341X) results in a premature termination codon, predicted to cause a truncation of the encoded protein or absence of the protein due to nonsense mediated decay, which are commonly known mechanisms for disease. Truncations downstream of this position have been classified as pathogenic by our laboratory. The variant was absent in 233852 control chromosomes (gnomAD). c.4022C>A has been reported in the literature in multiple individuals affected with Hereditary Breast and Ovarian Cancer, predominantly in individuals of Japanese ethnicity (Arai_2018, Momozawa_2018), suggesting a Japanese founder mutation. These data indicate that the variant is very likely to be associated with disease. To our knowledge, no experimental evidence demonstrating an impact on protein function has been reported. A ClinVar submission for an expert panel, ENIGMA, (evaluation after 2014) cites the variant as pathogenic. Based on the evidence outlined above, the variant was classified as pathogenic.

Research Molecular Genetics Laboratory, Women's College Hospital, University of Toronto
Classification: Pathogenic for Hereditary breast ovarian cancer syndrome. Last evaluated: 2014-01-31. Review status: no assertion criteria provided. Collection method: research. Allele origin: germline. Affected: yes. Study: The Canadian Open Genetics Repository (COGR). Not counted in ClinVar's aggregate classification.

Literature cited by the submitters: PubMed 29176636 (cited by Women's Health and Genetics/Laboratory Corporation of America, LabCorp); PubMed 30287823 (cited by Women's Health and Genetics/Laboratory Corporation of America, LabCorp); PubMed 28028924 (cited by Women's Health and Genetics/Laboratory Corporation of America, LabCorp).